The following is an entry in ClinVar:

ClinVar aggregate classification (germline): Uncertain significance. Review status: criteria provided, multiple submitters, no conflicts (2 of 4 stars). 2 submissions from 2 submitters: Uncertain significance (2). Last evaluated 2025-09-02.

Allele frequency attached by ClinVar (database versions not stated): gnomAD exomes 0.00007; ESP Exome Variant Server 0.00008; ExAC 0.00009; gnomAD 0.00040; TOPMed 0.00044.
gnomAD v4.1: 164 of 1,614,158 alleles (0.01%); highest among the groups gnomAD compares: African/African-American, 0.16%; no homozygotes.

Submissions (2):

Labcorp Genetics (formerly Invitae), Labcorp
Classification: Uncertain significance. Last evaluated: 2025-09-02. Review status: criteria provided, single submitter. Criteria: Invitae Variant Classification Sherloc (09022015). Collection method: clinical testing. Allele origin: germline.
Comment: This sequence change replaces arginine, which is basic and polar, with histidine, which is basic and polar, at codon 91 of the IL18BP protein (p.Arg91His). This variant is present in population databases (rs5743672, gnomAD 0.1%), and has an allele count higher than expected for a pathogenic variant. This variant has not been reported in the literature in individuals affected with IL18BP-related conditions. ClinVar contains an entry for this variant (Variation ID: 2057207). An algorithm developed to predict the effect of missense changes on protein structure and function outputs the following: PolyPhen-2: "Benign". The histidine amino acid residue is found in multiple mammalian species, which suggests that this missense change does not adversely affect protein function. In summary, the available evidence is currently insufficient to determine the role of this variant in disease. Therefore, it has been classified as a Variant of Uncertain Significance.

Ambry Genetics
Classification: Uncertain significance. Last evaluated: 2021-10-05. Review status: criteria provided, single submitter. Criteria: Ambry Variant Classification Scheme 2023. Collection method: clinical testing. Allele origin: germline.

NM_001039660.2(IL18BP):c.272G>A (p.Arg91His)

Gene: IL18BP (interleukin 18 binding protein; plus strand). Cytogenetic location: 11q13.4.
Variant type: single nucleotide variant.
Coding change: c.272G>A on transcript NM_001039660.2 (MANE Select); coding-DNA position 272, G replaced by A.
Protein change: p.Arg91His; replaces arginine 91 with histidine.
Molecular consequence: missense variant. On other transcripts: intron variant (1).
Genome position (GRCh38, 1-based): chr11:72,001,237, G>A. VCF-style: chr11-72001237-G-A. GRCh37 (hg19) VCF-style: chr11-71712283-G-A.
Other names: c.272G>A, p.Arg91His (NM_001039659.2, NM_001145057.1, NM_005699.3 and 2 more transcripts); c.236-547G>A (NM_001145055.1); short protein forms R91H.
Identifiers: ClinVar variation 2057207 (VCV002057207.5), dbSNP rs5743672, ClinGen allele CA6166177.